The following is an entry in ClinVar:

ClinVar aggregate classification (germline): Uncertain significance (1 of 4 stars; one submission).

Allele frequency attached by ClinVar (database versions not stated): TOPMed below 0.00001; gnomAD 0.00001.
gnomAD v4.1: 1 of 1,551,910 alleles (0.000064%); highest among the groups gnomAD compares: African/African-American, 0.0014%; no homozygotes.

Submission:

Labcorp Genetics (formerly Invitae), Labcorp
Classification: Uncertain significance. Last evaluated: 2021-04-17. Review status: criteria provided, single submitter. Criteria: Invitae Variant Classification Sherloc (09022015). Collection method: clinical testing. Allele origin: germline.
Comment: Algorithms developed to predict the effect of missense changes on protein structure and function are either unavailable or do not agree on the potential impact of this missense change (SIFT: "Deleterious"; PolyPhen-2: "Probably Damaging"; Align-GVGD: "Class C0"). This variant has not been reported in the literature in individuals with KPNA7-related conditions. This variant is not present in population databases (ExAC no frequency). This sequence change replaces histidine with arginine at codon 469 of the KPNA7 protein (p.His469Arg). The histidine residue is highly conserved and there is a small physicochemical difference between histidine and arginine. Algorithms developed to predict the effect of sequence changes on RNA splicing suggest that this variant may create or strengthen a splice site, but this prediction has not been confirmed by published transcriptional studies. In summary, the available evidence is currently insufficient to determine the role of this variant in disease. Therefore, it has been classified as a Variant of Uncertain Significance.

NM_001145715.3(KPNA7):c.1406A>G (p.His469Arg)

Gene: KPNA7 (karyopherin subunit alpha 7; minus strand). Cytogenetic location: 7q22.1.
Variant type: single nucleotide variant.
Coding change: c.1406A>G on transcript NM_001145715.3 (MANE Select); coding-DNA position 1406, A replaced by G.
Protein change: p.His469Arg; replaces histidine 469 with arginine.
Molecular consequence: missense variant.
Genome position (GRCh38, 1-based): chr7:99,177,978, T>C on the plus strand (A>G on the coding strand, the complement: KPNA7 is on the minus strand). VCF-style: chr7-99177978-T-C. GRCh37 (hg19) VCF-style: chr7-98775601-T-C.
Other names: short protein forms H469R.
Identifiers: ClinVar variation 1422279 (VCV001422279.8), dbSNP rs1421240713, ClinGen allele CA368417145.
Genomic context (GRCh38, chr7:99,177,978, plus strand): 5'-ACCTCACCAAAGTGCTTCTCGATGATGTTCAAAGCCGACTGGCCAATTTGACGGTTCTCA[T>C]GCAGCTGTAAAGCCTCAATTCTATCGATCCCACCAAGTTCTTCTATCAGAAGACACAGGT-3'
Protein context (NP_001139187.1, residues 459-479): GIDRIEALQL[His469Arg]ENRQIGQSAL